The following is an entry in ClinVar:

ClinVar aggregate classification (germline): Uncertain significance (1 of 4 stars; one submission).

Conditions:
Cardiovascular phenotype. Identifiers: MedGen CN230736.

Submission:

Ambry Genetics
Classification: Uncertain significance for Cardiovascular phenotype. Last evaluated: 2025-05-30. Review status: criteria provided, single submitter. Criteria: Ambry Variant Classification Scheme 2023. Collection method: clinical testing. Allele origin: germline.
Comment: The p.C513W variant (also known as c.1539T>G), located in coding exon 12 of the APOB gene, results from a T to G substitution at nucleotide position 1539. The cysteine at codon 513 is replaced by tryptophan, an amino acid with highly dissimilar properties. This amino acid position is conserved. In addition, this alteration is predicted to be deleterious by in silico analysis. Based on the available evidence, the clinical significance of this variant remains unclear.

NM_000384.3(APOB):c.1539T>G (p.Cys513Trp)

Gene: APOB (apolipoprotein B; minus strand). Cytogenetic location: 2p24.1.
Variant type: single nucleotide variant.
Coding change: c.1539T>G on transcript NM_000384.3 (MANE Select); coding-DNA position 1539, T replaced by G.
Protein change: p.Cys513Trp; replaces cysteine 513 with tryptophan.
Molecular consequence: missense variant.
Genome position (GRCh38, 1-based): chr2:21,029,717, A>C on the plus strand (T>G on the coding strand, the complement: APOB is on the minus strand). VCF-style: chr2-21029717-A-C. GRCh37 (hg19) VCF-style: chr2-21252589-A-C.
Other names: short protein forms C513W.
Identifiers: ClinVar variation 3933300 (VCV003933300.1).